The following is an entry in ClinVar:

NM_032383.5(HPS3):c.794del (p.Ser265fs)

Gene: HPS3 (HPS3 biogenesis of lysosomal organelles complex 2 subunit 1; plus strand). Cytogenetic location: 3q24.
Variant type: Deletion.
Coding change: c.794del on transcript NM_032383.5 (MANE Select); coding-DNA position 794, one base deleted (G; older notation c.794delG).
Protein change: p.Ser265fs; shifts the reading frame from serine 265.
Molecular consequence: frameshift variant.
Genome position (GRCh38, 1-based): chr3:149,141,098, G deleted. VCF-style (leftmost placement, unchanged base first): chr3-149141097-AG-A. GRCh37 (hg19) VCF-style: chr3-148858884-AG-A.
Other names: c.299del, p.Ser100fs (NM_001308258.2); short protein forms S100fs, S265fs.
Identifiers: ClinVar variation 5016157 (VCV005016157.1).

ClinVar aggregate classification (germline): Pathogenic (1 of 4 stars; one submission).

Conditions:
Hermansky-Pudlak syndrome 3 (HPS3). Identifiers: Orphanet 231512, Orphanet 79430, MedGen C3888001, MONDO:0013555, OMIM 614072.

Submission:

Myriad Genetics, Inc.
Classification: Pathogenic for Hermansky-Pudlak syndrome 3. Last evaluated: 2026-07-24. Review status: criteria provided, single submitter. Criteria: Myriad Autosomal Dominant, Autosomal Recessive and X-Linked Classification Criteria (2023). Collection method: clinical testing. Allele origin: unknown.
Comment: NM_032383.3(HPS3):c.794delG(S265Mfs*15) is expected to be pathogenic in the context of Hermansky-Pudlak syndrome, HPS3-related. This variant is predicted to lead to an abnormal or absent protein product due to the creation of a premature termination codon in HPS3, a gene where loss-of-function variants are known to be pathogenic. Please note: this variant was assessed in the context of healthy population screening.